The following is an entry in ClinVar:

ClinVar aggregate classification (germline): Uncertain significance (1 of 4 stars; one submission).

Conditions:
Hereditary cancer-predisposing syndrome. Also called: Neoplastic Syndromes, Hereditary; Tumor predisposition; Hereditary Cancer Syndrome; Hereditary neoplastic syndrome. Identifiers: Orphanet 140162, MedGen C0027672, MeSH D009386, MONDO:0015356.

gnomAD v4.1: 2 of 1,610,694 alleles (0.00012%); highest among the groups gnomAD compares: East Asian, 0.0022%; no homozygotes.

Submission:

Ambry Genetics
Classification: Uncertain significance for Hereditary cancer-predisposing syndrome. Last evaluated: 2026-05-12. Review status: criteria provided, single submitter. Criteria: Ambry Variant Classification Scheme 2023. Collection method: clinical testing. Allele origin: germline.
Comment: The p.P17S variant (also known as c.49C>T), located in coding exon 2 of the PMS2 gene, results from a C to T substitution at nucleotide position 49. The proline at codon 17 is replaced by serine, an amino acid with similar properties. This amino acid position is well conserved in available vertebrate species. In addition, the in silico prediction for this alteration is inconclusive. Based on the available evidence, the clinical significance of this variant remains unclear.

NM_000535.7(PMS2):c.49C>T (p.Pro17Ser)

Gene: PMS2 (PMS1 homolog 2, mismatch repair system component; minus strand). Cytogenetic location: 7p22.1.
Variant type: single nucleotide variant.
Coding change: c.49C>T on transcript NM_000535.7 (MANE Select); coding-DNA position 49, C replaced by T.
Protein change: p.Pro17Ser; replaces proline 17 with serine.
Molecular consequence: missense variant. On other transcripts: 5 prime UTR variant (38), non-coding transcript variant (1), intron variant (7).
Genome position (GRCh38, 1-based): chr7:6,006,006, G>A on the plus strand (C>T on the coding strand, the complement: PMS2 is on the minus strand). VCF-style: chr7-6006006-G-A. GRCh37 (hg19) VCF-style: chr7-6045637-G-A.
Other names: c.-357C>T (NM_001322003.2, NM_001322005.2, NM_001322009.2 and 10 more transcripts); c.49C>T, p.Pro17Ser (NM_001322006.2, NM_001322014.2, NM_001406868.1 and 10 more transcripts); c.-167C>T (NM_001322007.2, NM_001406876.1, NM_001406883.1 and 4 more transcripts); c.-836C>T (NM_001322011.2, NM_001322012.2); c.-436C>T (NM_001322015.2, NM_001406875.1, NM_001406877.1 and 2 more transcripts); c.235C>T, p.Pro79Ser (NM_001406866.1); c.-383C>T (NM_001406880.1); c.-304C>T (NM_001406909.1, NM_001406888.1, NM_001406889.1 and 5 more transcripts); and 7 more; short protein forms P17S, P79S.
Identifiers: ClinVar variation 4862120 (VCV004862120.1).
Genomic context (GRCh38, chr7:6,006,006, plus strand): 5'-TGCTTAGACTCAGTACCACCTGCCCAGAGCAAATCTGATGGACTGACTTCCGATCAATAG[G>A]TTTGATGGCCTTAGCAGGTTCTGTACTAGAGAAATCAGTTACAAGAAACAAATCAAGTAT-3'
Protein context (NP_000526.2, residues 7-27): SSTEPAKAIK[Pro17Ser]IDRKSVHQIC